The following is an entry in ClinVar:

ClinVar aggregate classification (germline): Likely benign. Review status: criteria provided, multiple submitters, no conflicts (2 of 4 stars). 2 submissions from 2 submitters: Likely benign (2). Last evaluated 2026-02-06.

Conditions:
Granulomatous disease, chronic, X-linked. Also called: CYTOCHROME b-NEGATIVE GRANULOMATOUS DISEASE, CHRONIC, X-LINKED; GRANULOMATOUS DISEASE, CHRONIC, X-LINKED, SOMATIC MOSAIC. Identifiers: Orphanet 379, MedGen C1844376, MONDO:0010600, OMIM 306400.

Allele frequency attached by ClinVar (database versions not stated): gnomAD 0.00010.
gnomAD v4.1: 25 of 1,208,874 alleles (0.0021%); highest among the groups gnomAD compares: Admixed American, 0.044%; no homozygotes.

Submissions (2):

Women's Health and Genetics/Laboratory Corporation of America, LabCorp
Classification: Likely benign. Last evaluated: 2026-02-06. Review status: criteria provided, single submitter. Criteria: LabCorp Variant Classification Summary - May 2015. Collection method: clinical testing. Allele origin: germline.
Comment: Variant summary: CYBB c.1313A>G (p.Lys438Arg) results in a conservative amino acid change in the encoded protein sequence. Algorithms developed to predict the effect of missense changes on protein structure and function are either unavailable or do not agree on the potential impact of this missense change. Consensus agreement among computation tools predict no significant impact on normal splicing. However, these predictions have yet to be confirmed by functional studies. The variant allele was found at a frequency of 4.4e-05 in 182260 control chromosomes, including 4 hemizygous males (gnomAD). To our knowledge, no occurrence of c.1313A>G in individuals affected with CYBB-related conditions and no experimental evidence demonstrating its impact on protein function have been reported. ClinVar contains an entry for this variant (Variation ID: 1081893). Based on the evidence outlined above, the variant was classified as likely benign.

Labcorp Genetics (formerly Invitae), Labcorp
Classification: Likely benign for Granulomatous disease, chronic, X-linked. Last evaluated: 2025-12-06. Review status: criteria provided, single submitter. Criteria: Invitae Variant Classification Sherloc (09022015). Collection method: clinical testing. Allele origin: germline.

NM_000397.4(CYBB):c.1313A>G (p.Lys438Arg)

Gene: CYBB (cytochrome b-245 beta chain; plus strand). Cytogenetic location: Xp11.4.
Variant type: single nucleotide variant.
Coding change: c.1313A>G on transcript NM_000397.4 (MANE Select); coding-DNA position 1313, A replaced by G.
Protein change: p.Lys438Arg; replaces lysine 438 with arginine.
Molecular consequence: missense variant.
Genome position (GRCh38, 1-based): chrX:37,805,167, A>G. VCF-style: chrX-37805167-A-G. GRCh37 (hg19) VCF-style: chrX-37664420-A-G.
Other names: short protein forms K438R.
Identifiers: ClinVar variation 1081893 (VCV001081893.10), dbSNP rs1011161694, ClinGen allele CA328041616.
Genomic context (GRCh38, chrX:37,805,167, plus strand): 5'-CCATTCTCAAGTCAGTCTGGTACAAATATTGCAATAACGCCACCAATCTGAAGCTCAAAA[A>G]GGTAAGTCCTTTCATTTATCGGAGGGCCTTAGAGCAGTAACCATACTCTGCCATGTGAGG-3'
Protein context (NP_000388.2, residues 428-448): CNNATNLKLK[Lys438Arg]IYFYWLCRDT